The following is an entry in ClinVar:

NM_001370259.2(MEN1):c.958C>G (p.Pro320Ala)

Gene: MEN1 (menin 1; minus strand). Cytogenetic location: 11q13.1.
Variant type: single nucleotide variant.
Coding change: c.958C>G on transcript NM_001370259.2 (MANE Select); coding-DNA position 958, C replaced by G.
Protein change: p.Pro320Ala; replaces proline 320 with alanine.
Molecular consequence: missense variant.
Genome position (GRCh38, 1-based): chr11:64,806,323, G>C on the plus strand (C>G on the coding strand, the complement: MEN1 is on the minus strand). VCF-style: chr11-64806323-G-C. GRCh37 (hg19) VCF-style: chr11-64573795-G-C.
Other names: c.973C>G, p.Pro325Ala (NM_000244.4, NM_130800.3, NM_130801.3 and 3 more transcripts); c.958C>G, p.Pro320Ala (NM_001370251.2, NM_001370260.2, NM_001370261.2 and 1 more transcripts); c.853C>G, p.Pro285Ala (NM_001370262.2, NM_001370263.2); c.958C>G (NM_130799.2); short protein forms P320A, P285A, P325A.
Identifiers: ClinVar variation 1418732 (VCV001418732.7), dbSNP rs1941726727, ClinGen allele CA381183365.

ClinVar aggregate classification (germline): Uncertain significance. Review status: criteria provided, multiple submitters, no conflicts (2 of 4 stars). 2 submissions from 2 submitters: Uncertain significance (2). Last evaluated 2026-03-06.

Conditions:
Hereditary cancer-predisposing syndrome. Also called: Neoplastic Syndromes, Hereditary; Tumor predisposition; Hereditary Cancer Syndrome; Hereditary neoplastic syndrome. Identifiers: Orphanet 140162, MedGen C0027672, MeSH D009386, MONDO:0015356.
Multiple endocrine neoplasia, type 1 (MEN1). Also called: Endocrine adenomatosis multiple; MEN 1; MEA I; MEN I; WERMER SYNDROME. Identifiers: Orphanet 652, MedGen C0025267, MeSH D018761, MONDO:0007540, OMIM 131100.

Submissions (2):

Ambry Genetics
Classification: Uncertain significance for Hereditary cancer-predisposing syndrome. Last evaluated: 2026-03-06. Review status: criteria provided, single submitter. Criteria: Ambry Variant Classification Scheme 2023. Collection method: clinical testing. Allele origin: germline.
Comment: The p.P320A variant (also known as c.958C>G), located in coding exon 6 of the MEN1 gene, results from a C to G substitution at nucleotide position 958. The proline at codon 320 is replaced by alanine, an amino acid with highly similar properties. This amino acid position is highly conserved in available vertebrate species. Based on internal structural analysis, this variant is mildly destabilizing to the local structure and more destabilizing than known likely pathogenic variants (Ambry internal data). In addition, this alteration is predicted to be deleterious by in silico analysis. Based on the available evidence, the clinical significance of this variant remains unclear.

Labcorp Genetics (formerly Invitae), Labcorp
Classification: Uncertain significance for Multiple endocrine neoplasia, type 1. Last evaluated: 2021-10-27. Review status: criteria provided, single submitter. Criteria: Invitae Variant Classification Sherloc (09022015). Collection method: clinical testing. Allele origin: germline.
Comment: In summary, the available evidence is currently insufficient to determine the role of this variant in disease. Therefore, it has been classified as a Variant of Uncertain Significance. Advanced modeling of protein sequence and biophysical properties (such as structural, functional, and spatial information, amino acid conservation, physicochemical variation, residue mobility, and thermodynamic stability) performed at Invitae indicates that this missense variant is expected to disrupt MEN1 protein function. This variant has not been reported in the literature in individuals affected with MEN1-related conditions. This variant is not present in population databases (gnomAD no frequency). This sequence change replaces proline, which is neutral and non-polar, with alanine, which is neutral and non-polar, at codon 320 of the MEN1 protein (p.Pro320Ala).